The following is an entry in ClinVar:

ClinVar aggregate classification (germline): Uncertain significance. Review status: criteria provided, multiple submitters, no conflicts (2 of 4 stars). 2 submissions from 2 submitters: Uncertain significance (2). Last evaluated 2026-07-01.

Conditions:
Charcot-Marie-Tooth disease dominant intermediate C (CMTDIC). Also called: CHARCOT-MARIE-TOOTH NEUROPATHY, DOMINANT INTERMEDIATE C. Identifiers: Orphanet 100045, MedGen C1842237, MONDO:0012012, OMIM 608323.
YARS1-related disorder. Also called: YARS1-related condition.

Allele frequency attached by ClinVar (database versions not stated): gnomAD exomes below 0.00001 and 0.00002; gnomAD 0.00001; ExAC 0.00002; TOPMed 0.00003.
gnomAD v4.1: 8 of 1,614,108 alleles (0.0005%); highest among the groups gnomAD compares: Admixed American, 0.012%; no homozygotes.

Submissions (2):

PreventionGenetics, part of Exact Sciences
Classification: Uncertain significance for YARS1-related condition. Last evaluated: 2026-07-01. Review status: criteria provided, single submitter. Criteria: ACMG Guidelines, 2015. Collection method: clinical testing. Allele origin: germline.
Comment: The YARS1 c.557T>C variant is predicted to result in the amino acid substitution p.Ile186Thr. To our knowledge, this variant has not been reported in the literature. This variant is reported in 0.014% of alleles in individuals of Latino descent in gnomAD. At this time, the clinical significance of this variant is uncertain due to the absence of conclusive functional and genetic evidence.

Labcorp Genetics (formerly Invitae), Labcorp
Classification: Uncertain significance for Charcot-Marie-Tooth disease dominant intermediate C. Last evaluated: 2023-07-16. Review status: criteria provided, single submitter. Criteria: Invitae Variant Classification Sherloc (09022015). Collection method: clinical testing. Allele origin: germline.
Comment: This variant is present in population databases (rs766166915, gnomAD 0.009%). In summary, the available evidence is currently insufficient to determine the role of this variant in disease. Therefore, it has been classified as a Variant of Uncertain Significance. Advanced modeling of protein sequence and biophysical properties (such as structural, functional, and spatial information, amino acid conservation, physicochemical variation, residue mobility, and thermodynamic stability) performed at Invitae indicates that this missense variant is not expected to disrupt YARS protein function. ClinVar contains an entry for this variant (Variation ID: 641228). This variant has not been reported in the literature in individuals affected with YARS-related conditions. This sequence change replaces isoleucine, which is neutral and non-polar, with threonine, which is neutral and polar, at codon 186 of the YARS protein (p.Ile186Thr).

NM_003680.4(YARS1):c.557T>C (p.Ile186Thr)

Gene: YARS1 (tyrosyl-tRNA synthetase 1; minus strand). Cytogenetic location: 1p35.1.
Variant type: single nucleotide variant.
Coding change: c.557T>C on transcript NM_003680.4 (MANE Select); coding-DNA position 557, T replaced by C.
Protein change: p.Ile186Thr; replaces isoleucine 186 with threonine.
Molecular consequence: missense variant.
Genome position (GRCh38, 1-based): chr1:32,797,797, A>G on the plus strand (T>C on the coding strand, the complement: YARS1 is on the minus strand). VCF-style: chr1-32797797-A-G. GRCh37 (hg19) VCF-style: chr1-33263398-A-G.
Other names: short protein forms I186T.
Identifiers: ClinVar variation 641228 (VCV000641228.10), dbSNP rs766166915, ClinGen allele CA745169.